The following is an entry in ClinVar:

ClinVar aggregate classification (germline): Likely benign. Review status: criteria provided, single submitter (1 of 4 stars). 2 submissions from 2 submitters: Likely benign (1). 1 of the submissions does not count toward it. Last evaluated 2026-01-05.

Conditions:
ADAMTS13-related disorder. Also called: ADAMTS13-related condition.

Allele frequency attached by ClinVar (database versions not stated): TOPMed 0.00003; 1000 Genomes Project 0.00040; 1000 Genomes Project 30x 0.00031.
gnomAD v4.1: 74 of 1,613,828 alleles (0.0046%); highest among the groups gnomAD compares: East Asian, 0.065%; no homozygotes.

Submissions (2):

Labcorp Genetics (formerly Invitae), Labcorp
Classification: Likely benign. Last evaluated: 2026-01-05. Review status: criteria provided, single submitter. Criteria: Invitae Variant Classification Sherloc (09022015). Collection method: clinical testing. Allele origin: germline.

PreventionGenetics, part of Exact Sciences
Classification: Likely benign for ADAMTS13-related condition. Last evaluated: 2020-06-22. Review status: no assertion criteria provided. Collection method: clinical testing. Allele origin: germline. Not counted in ClinVar's aggregate classification.
Comment: This variant is classified as likely benign based on ACMG/AMP sequence variant interpretation guidelines (Richards et al. 2015 PMID: 25741868, with internal and published modifications).

NM_139027.6(ADAMTS13):c.1548C>T (p.Asp516=)

Gene: ADAMTS13 (ADAM metallopeptidase with thrombospondin type 1 motif 13; plus strand). Cytogenetic location: 9q34.2.
Variant type: single nucleotide variant.
Coding change: c.1548C>T on transcript NM_139027.6 (MANE Select); coding-DNA position 1548, C replaced by T.
Protein change: p.Asp516=; no amino-acid change (aspartic acid 516 retained).
Molecular consequence: synonymous variant.
Genome position (GRCh38, 1-based): chr9:133,437,861, C>T. VCF-style: chr9-133437861-C-T. GRCh37 (hg19) VCF-style: chr9-136302981-C-T.
Other names: c.1548C>T, p.Asp516= (NM_139025.5); c.1455C>T, p.Asp485= (NM_139026.6).
Identifiers: ClinVar variation 2885202 (VCV002885202.5), dbSNP rs587612482, ClinGen allele CA200930394.